The following is an entry in ClinVar:

ClinVar aggregate classification (germline): Conflicting classifications of pathogenicity. Review status: criteria provided, conflicting classifications (1 of 4 stars). 2 submissions from 2 submitters: Uncertain significance (1); Likely benign (1). Last evaluated 2026-01-01.

Conditions:
Inborn genetic diseases. Identifiers: MedGen C0950123, MeSH D030342.

Allele frequency attached by ClinVar (database versions not stated): TOPMed 0.00001; gnomAD 0.00001.
gnomAD v4.1: 52 of 1,594,532 alleles (0.0033%); highest among the groups gnomAD compares: Non-Finnish European, 0.0037%; no homozygotes.

Submissions (2):

CeGaT Center for Human Genetics Tuebingen
Classification: Likely benign. Last evaluated: 2026-01-01. Review status: criteria provided, single submitter. Criteria: CeGaT Center For Human Genetics Tuebingen Variant Classification Criteria Version 2. Collection method: clinical testing. Allele origin: germline. Affected: yes. Observed: 3 variant alleles.
Comment: NBEA: BP4

Ambry Genetics
Classification: Uncertain significance for Inborn genetic diseases. Last evaluated: 2025-02-09. Review status: criteria provided, single submitter. Criteria: Ambry Variant Classification Scheme 2023. Collection method: clinical testing. Allele origin: germline.

NM_001385012.1(NBEA):c.3754G>A (p.Val1252Ile)

Gene: NBEA (neurobeachin; plus strand). Cytogenetic location: 13q13.3.
Variant type: single nucleotide variant.
Coding change: c.3754G>A on transcript NM_001385012.1 (MANE Select); coding-DNA position 3754, G replaced by A.
Protein change: p.Val1252Ile; replaces valine 1252 with isoleucine.
Molecular consequence: missense variant.
Genome position (GRCh38, 1-based): chr13:35,159,925, G>A. VCF-style: chr13-35159925-G-A. GRCh37 (hg19) VCF-style: chr13-35734062-G-A.
Other names: c.3754G>A (NM_015678.4); c.3754G>A, p.Val1252Ile (NM_001379245.1, NM_015678.5); short protein forms V1252I.
Identifiers: ClinVar variation 2672540 (VCV002672540.24), dbSNP rs957955107, ClinGen allele CA248106596.
Genomic context (GRCh38, chr13:35,159,925, plus strand): 5'-CTGGAGTATGCTGAAATGACTGCTACAACTCTGGAAACTGAGTCTTCTAGTAGCAAAATT[G>A]TACCAAATATTGATGCAGGAAGTATAATTTCAGATACTGAAAGGTCTGACGATGGCAAAG-3'
Protein context (NP_001371941.1, residues 1242-1262): LETESSSSKI[Val1252Ile]PNIDAGSIIS